The following is an entry in ClinVar:

NM_001365536.1(SCN9A):c.3064A>G (p.Arg1022Gly)

Genes: SCN9A (sodium voltage-gated channel alpha subunit 9; minus strand), SCN1A-AS1 (SCN1A and SCN9A antisense RNA 1; plus strand). Cytogenetic location: 2q24.3.
Variant type: single nucleotide variant.
Coding change: c.3064A>G on transcript NM_001365536.1 (MANE Select); coding-DNA position 3064, A replaced by G.
Protein change: p.Arg1022Gly; replaces arginine 1022 with glycine.
Molecular consequence: missense variant.
Genome position (GRCh38, 1-based): chr2:166,272,686, T>C on the plus strand (A>G on the coding strand, the complement: SCN9A is on the minus strand). VCF-style: chr2-166272686-T-C. GRCh37 (hg19) VCF-style: chr2-167129196-T-C.
Other names: c.3031A>G, p.Arg1011Gly (NM_002977.4); short protein forms R1011G, R1022G.
Identifiers: ClinVar variation 3757670 (VCV003757670.2).
Genomic context (GRCh38, chr2:166,272,686, plus strand): 5'-TATGGTTAGAAATATAGTTTTCCTTCTTAGTATTCAGATCTTCTGCTTGTCTTATCTCCC[T>C]GGAAATCTTTGGCTTTTTGGAAAATGCTTTTAGAATAAATTCACGTAAGGTTTGTTTCAC-3'
Protein context (NP_001352465.1, residues 1012-1032): KAFSKKPKIS[Arg1022Gly]EIRQAEDLNT

ClinVar aggregate classification (germline): Uncertain significance (1 of 4 stars; one submission).

Conditions:
Neuropathy, hereditary sensory and autonomic, type 2A (HSAN2A). Also called: ACROOSTEOLYSIS, GIACCAI TYPE; ACROOSTEOLYSIS, NEUROGENIC; WNK1-Related HSAN2 (HSAN2A); MORVAN DISEASE; NEUROPATHY, CONGENITAL SENSORY; NEUROPATHY, HEREDITARY SENSORY RADICULAR, AUTOSOMAL RECESSIVE. Identifiers: Orphanet 970, MedGen C2752089, MONDO:0024309, OMIM 201300.
Generalized epilepsy with febrile seizures plus, type 7 (GEFSP7). Also called: GEFS+, TYPE 7. Identifiers: Orphanet 36387, MedGen C2751778, MONDO:0013470, OMIM 613863.

Submission:

Labcorp Genetics (formerly Invitae), Labcorp
Classification: Uncertain significance for Neuropathy, hereditary sensory and autonomic, type 2A; Generalized epilepsy with febrile seizures plus, type 7. Last evaluated: 2024-08-14. Review status: criteria provided, single submitter. Criteria: Invitae Variant Classification Sherloc (09022015). Collection method: clinical testing. Allele origin: germline.
Comment: This sequence change replaces arginine, which is basic and polar, with glycine, which is neutral and non-polar, at codon 1011 of the SCN9A protein (p.Arg1011Gly). This variant is not present in population databases (gnomAD no frequency). This variant has not been reported in the literature in individuals affected with SCN9A-related conditions. Invitae Evidence Modeling of protein sequence and biophysical properties (such as structural, functional, and spatial information, amino acid conservation, physicochemical variation, residue mobility, and thermodynamic stability) indicates that this missense variant is not expected to disrupt SCN9A protein function with a negative predictive value of 95%. In summary, the available evidence is currently insufficient to determine the role of this variant in disease. Therefore, it has been classified as a Variant of Uncertain Significance.